The following is an entry in ClinVar:

NM_001005373.4(LRSAM1):c.1913-167_1913-163del

Gene: LRSAM1 (leucine rich repeat and sterile alpha motif containing 1; plus strand). Cytogenetic location: 9q34.11.
Variant type: Deletion.
Coding change: c.1913-167_1913-163del on transcript NM_001005373.4 (MANE Select); 167 bases into the intron before coding-DNA position 1913 through 163 bases into the intron before coding-DNA position 1913, 5 bases deleted (AAGAA; older notation c.1913-167_1913-163delAAGAA).
Molecular consequence: intron variant.
Genome position (GRCh38, 1-based): chr9:127,500,843-127,500,847, AAGAA deleted. VCF-style (leftmost placement, unchanged base first): chr9-127500842-GAAGAA-G. GRCh37 (hg19) VCF-style: chr9-130263121-GAAGAA-G.
Other names: c.1913-167_1913-163del (NM_138361.5, NM_001384142.1, NM_001005374.4); c.1814-167_1814-163del (NM_001384143.1); c.1832-167_1832-163del (NM_001190723.3); c.1124-167_1124-163del (NM_001384144.1); c.1913-167_1913-163delAAGAA (NM_138361.5).
Identifiers: ClinVar variation 667620 (VCV000667620.1), dbSNP rs202170304, ClinGen allele CA199852936.
Genomic context (GRCh38, chr9:127,500,842, plus strand): 5'-ATCCCTGCAGAGAGAGACTTCACTCCCATTCTGCAGATGGGAAATGAGGCTCAGAGAAGA[GAAGAA>G]GAGAGTGTGTGGCAAGGAGAGCACTTCCCTCAGATCTGAGAGCAGAGGCTCCCCCACCCT-3'

ClinVar aggregate classification (germline): Likely benign (1 of 4 stars; one submission).

Allele frequency attached by ClinVar (database versions not stated): gnomAD 0.00736 and 0.00754; TOPMed 0.00788.

Submission:

GeneDx
Classification: Likely benign. Last evaluated: 2018-06-16. Review status: criteria provided, single submitter. Criteria: GeneDx Variant Classification (06012015). Collection method: clinical testing. Allele origin: germline. Affected: yes.
Comment: This variant is considered likely benign or benign based on one or more of the following criteria: it is a conservative change, it occurs at a poorly conserved position in the protein, it is predicted to be benign by multiple in silico algorithms, and/or has population frequency not consistent with disease.